The following is an entry in ClinVar:

NM_003074.4(SMARCC1):c.2495A>G (p.Glu832Gly)

Gene: SMARCC1 (SWI/SNF related BAF chromatin remodeling complex subunit C1; minus strand). Cytogenetic location: 3p21.31.
Variant type: single nucleotide variant.
Coding change: c.2495A>G on transcript NM_003074.4 (MANE Select); coding-DNA position 2495, A replaced by G.
Protein change: p.Glu832Gly; replaces glutamic acid 832 with glycine.
Molecular consequence: missense variant.
Genome position (GRCh38, 1-based): chr3:47,635,341, T>C on the plus strand (A>G on the coding strand, the complement: SMARCC1 is on the minus strand). VCF-style: chr3-47635341-T-C. GRCh37 (hg19) VCF-style: chr3-47676831-T-C.
Other names: short protein forms E832G.
Identifiers: ClinVar variation 3611888 (VCV003611888.2).

ClinVar aggregate classification (germline): Uncertain significance (1 of 4 stars; one submission).

gnomAD v4.1: 1 of 1,611,328 alleles (0.000062%); highest among the groups gnomAD compares: Non-Finnish European, 0.000085%; no homozygotes.

Submission:

Labcorp Genetics (formerly Invitae), Labcorp
Classification: Uncertain significance. Last evaluated: 2024-01-23. Review status: criteria provided, single submitter. Criteria: Invitae Variant Classification Sherloc (09022015). Collection method: clinical testing. Allele origin: germline.
Comment: This sequence change replaces glutamic acid, which is acidic and polar, with glycine, which is neutral and non-polar, at codon 832 of the SMARCC1 protein (p.Glu832Gly). This variant is present in population databases (rs778118076, gnomAD 0.0009%). This variant has not been reported in the literature in individuals affected with SMARCC1-related conditions. An algorithm developed to predict the effect of missense changes on protein structure and function (PolyPhen-2) suggests that this variant is likely to be tolerated. In summary, the available evidence is currently insufficient to determine the role of this variant in disease. Therefore, it has been classified as a Variant of Uncertain Significance.